The following is an entry in ClinVar:

ClinVar aggregate classification (germline): Uncertain significance. Review status: criteria provided, multiple submitters, no conflicts (2 of 4 stars). 2 submissions from 2 submitters: Uncertain significance (2). Last evaluated 2025-03-18.

Conditions:
Inborn genetic diseases. Identifiers: MedGen C0950123, MeSH D030342.
Centromeric instability of chromosomes 1,9 and 16 and immunodeficiency (ICF1). Also called: IMMUNE DEFICIENCY, VARIABLE, WITH CENTROMERIC INSTABILITY OF CHROMOSOMES 1, 9, AND 16; IMMUNODEFICIENCY SYNDROME, VARIABLE; Immunodeficiency-centromeric instability-facial anomalies; CENTROMERIC INSTABILITY, IMMUNODEFICIENCY SYNDROME. Identifiers: Orphanet 2268, MedGen C0398788, MONDO:0000133.

Allele frequency attached by ClinVar (database versions not stated): ExAC 0.00001; gnomAD 0.00001; gnomAD exomes 0.00001 and 0.00002; TOPMed 0.00003.
gnomAD v4.1: 26 of 1,613,818 alleles (0.0016%); highest among the groups gnomAD compares: African/African-American, 0.0053%; no homozygotes.

Submissions (2):

Ambry Genetics
Classification: Uncertain significance for Inborn genetic diseases. Last evaluated: 2025-03-18. Review status: criteria provided, single submitter. Criteria: Ambry Variant Classification Scheme 2023. Collection method: clinical testing. Allele origin: germline.

Labcorp Genetics (formerly Invitae), Labcorp
Classification: Uncertain significance for Centromeric instability of chromosomes 1,9 and 16 and immunodeficiency. Last evaluated: 2022-06-13. Review status: criteria provided, single submitter. Criteria: Invitae Variant Classification Sherloc (09022015). Collection method: clinical testing. Allele origin: germline.
Comment: This sequence change replaces glutamic acid, which is acidic and polar, with lysine, which is basic and polar, at codon 135 of the DNMT3B protein (p.Glu135Lys). This variant is present in population databases (rs774911505, gnomAD 0.008%). This variant has not been reported in the literature in individuals affected with DNMT3B-related conditions. Algorithms developed to predict the effect of missense changes on protein structure and function are either unavailable or do not agree on the potential impact of this missense change (SIFT: "Tolerated"; PolyPhen-2: "Probably Damaging"; Align-GVGD: "Class C0"). In summary, the available evidence is currently insufficient to determine the role of this variant in disease. Therefore, it has been classified as a Variant of Uncertain Significance.

NM_006892.4(DNMT3B):c.403G>A (p.Glu135Lys)

Gene: DNMT3B (DNA methyltransferase 3 beta; plus strand). Cytogenetic location: 20q11.21.
Variant type: single nucleotide variant.
Coding change: c.403G>A on transcript NM_006892.4 (MANE Select); coding-DNA position 403, G replaced by A.
Protein change: p.Glu135Lys; replaces glutamic acid 135 with lysine.
Molecular consequence: missense variant. On other transcripts: intron variant (2).
Genome position (GRCh38, 1-based): chr20:32,786,598, G>A. VCF-style: chr20-32786598-G-A. GRCh37 (hg19) VCF-style: chr20-31374404-G-A.
Other names: c.403G>A, p.Glu135Lys (NM_175848.2, NM_175849.2); c.439G>A, p.Glu147Lys (NM_175850.3); c.307-632G>A (NM_001207055.2); c.205-632G>A (NM_001207056.2); c.403G>A (NM_006892.3); short protein forms E147K, E135K.
Identifiers: ClinVar variation 1486553 (VCV001486553.4), dbSNP rs774911505, ClinGen allele CA9810183.